The following is an entry in ClinVar:

NM_000718.4(CACNA1B):c.2480G>A (p.Arg827Gln)

Gene: CACNA1B (calcium voltage-gated channel subunit alpha1 B; plus strand). Cytogenetic location: 9q34.3.
Variant type: single nucleotide variant.
Coding change: c.2480G>A on transcript NM_000718.4 (MANE Select); coding-DNA position 2480, G replaced by A.
Protein change: p.Arg827Gln; replaces arginine 827 with glutamine.
Molecular consequence: missense variant.
Genome position (GRCh38, 1-based): chr9:138,023,223, G>A. VCF-style: chr9-138023223-G-A. GRCh37 (hg19) VCF-style: chr9-140917675-G-A.
Other names: c.2480G>A, p.Arg827Gln (NM_001243812.2); short protein forms R827Q.
Identifiers: ClinVar variation 3262697 (VCV003262697.2).

ClinVar aggregate classification (germline): Uncertain significance. Review status: criteria provided, multiple submitters, no conflicts (2 of 4 stars). 2 submissions from 2 submitters: Uncertain significance (2). Last evaluated 2025-09-24.

gnomAD v4.1: 8 of 1,510,054 alleles (0.00053%); highest among the groups gnomAD compares: South Asian, 0.0075%; no homozygotes.

Submissions (2):

Labcorp Genetics (formerly Invitae), Labcorp
Classification: Uncertain significance. Last evaluated: 2025-09-24. Review status: criteria provided, single submitter. Criteria: Invitae Variant Classification Sherloc (09022015). Collection method: clinical testing. Allele origin: germline.
Comment: This sequence change replaces arginine, which is basic and polar, with glutamine, which is neutral and polar, at codon 827 of the CACNA1B protein (p.Arg827Gln). The frequency data for this variant in the population databases is considered unreliable, as metrics indicate poor data quality at this position in the gnomAD database. This variant has not been reported in the literature in individuals affected with CACNA1B-related conditions. ClinVar contains an entry for this variant (Variation ID: 3262697). An algorithm developed to predict the effect of missense changes on protein structure and function (PolyPhen-2) suggests that this variant is likely to be tolerated. In summary, the available evidence is currently insufficient to determine the role of this variant in disease. Therefore, it has been classified as a Variant of Uncertain Significance.

Ambry Genetics
Classification: Uncertain significance. Last evaluated: 2024-04-20. Review status: criteria provided, single submitter. Criteria: Ambry Variant Classification Scheme 2023. Collection method: clinical testing. Allele origin: germline.